The following is an entry in ClinVar:

ClinVar aggregate classification (germline): Pathogenic (1 of 4 stars; one submission).

Submission:

Labcorp Genetics (formerly Invitae), Labcorp
Classification: Pathogenic. Last evaluated: 2023-11-08. Review status: criteria provided, single submitter. Criteria: Invitae Variant Classification Sherloc (09022015). Collection method: clinical testing. Allele origin: germline.
Comment: This sequence change creates a premature translational stop signal (p.Gly1061Valfs*93) in the COL4A3 gene. It is expected to result in an absent or disrupted protein product. Loss-of-function variants in COL4A3 are known to be pathogenic (PMID: 8956999, 24854265, 26809805, 27281700). This variant is not present in population databases (gnomAD no frequency). This variant has not been reported in the literature in individuals affected with COL4A3-related conditions. Algorithms developed to predict the effect of sequence changes on RNA splicing suggest that this variant may disrupt the consensus splice site. For these reasons, this variant has been classified as Pathogenic.

Literature cited by the submitters: PubMed 8956999; PubMed 24854265; PubMed 26809805; PubMed 27281700.

NM_000091.5(COL4A3):c.3180del (p.Gly1061fs)

Genes: COL4A3 (collagen type IV alpha 3 chain; plus strand), MFF-DT (MFF divergent transcript; minus strand). Cytogenetic location: 2q36.3.
Variant type: Deletion.
Coding change: c.3180del on transcript NM_000091.5 (MANE Select); coding-DNA position 3180, one base deleted (A; older notation c.3180delA).
Protein change: p.Gly1061fs; shifts the reading frame from glycine 1061.
Molecular consequence: frameshift variant.
Genome position (GRCh38, 1-based): chr2:227,290,856, A deleted; the last of 2 consecutive A bases (chr2:227,290,855-227,290,856); deleting either gives the same sequence. VCF-style (leftmost placement, unchanged base first): chr2-227290854-GA-G. GRCh37 (hg19) VCF-style: chr2-228155570-GA-G.
Other names: short protein forms G1061fs.
Identifiers: ClinVar variation 2694398 (VCV002694398.3), dbSNP rs2469829443, ClinGen allele CA2697550551.
Genomic context (GRCh38, chr2:227,290,854, plus strand): 5'-AGACCAGGCCTCCCAGGTATTCATGGTCTCCAGGGAGATAAGGGAGAGCCAGGTTATTCA[GA>G]AGGTACAAGGCCAGGACCACCGGGACCAACGGTATATAGGCCACTGAAATATTTACATTT-3'